The following is an entry in ClinVar:

NM_000321.3(RB1):c.1892A>G (p.Gln631Arg)

Gene: RB1 (RB transcriptional corepressor 1; plus strand). Cytogenetic location: 13q14.2.
Variant type: single nucleotide variant.
Coding change: c.1892A>G on transcript NM_000321.3 (MANE Select); coding-DNA position 1892, A replaced by G.
Protein change: p.Gln631Arg; replaces glutamine 631 with arginine.
Molecular consequence: missense variant.
Genome position (GRCh38, 1-based): chr13:48,456,281, A>G. VCF-style: chr13-48456281-A-G. GRCh37 (hg19) VCF-style: chr13-49030417-A-G.
Other names: short protein forms Q631R.
Identifiers: ClinVar variation 820290 (VCV000820290.14), dbSNP rs1593532019, ClinGen allele CA388166021.

ClinVar aggregate classification (germline): Uncertain significance. Review status: criteria provided, multiple submitters, no conflicts (2 of 4 stars). 3 submissions from 3 submitters: Uncertain significance (3). Last evaluated 2025-04-24.

Conditions:
Hereditary cancer-predisposing syndrome. Also called: Neoplastic Syndromes, Hereditary; Tumor predisposition; Hereditary Cancer Syndrome; Hereditary neoplastic syndrome. Identifiers: Orphanet 140162, MedGen C0027672, MeSH D009386, MONDO:0015356.
Malignant tumor of urinary bladder. Also called: Bladder cancer; Urinary bladder cancer; Urinary Bladder Neoplasms. Identifiers: MedGen C0005684, MONDO:0001187, OMIM 109800.
Retinoblastoma (RB1). Also called: RETINOBLASTOMA, SOMATIC. Identifiers: Orphanet 790, MedGen C0035335, MeSH D012175, MONDO:0008380, OMIM 180200, HP:0009919. Disease mechanism: loss of function. Inheritance: Both sporadic and heritable forms are tested..

Allele frequency attached by ClinVar (database versions not stated): gnomAD exomes 0.00001.
gnomAD v4.1: 8 of 1,614,216 alleles (0.0005%); highest among the groups gnomAD compares: Non-Finnish European, 0.00068%; no homozygotes.

Submissions (3):

Labcorp Genetics (formerly Invitae), Labcorp
Classification: Uncertain significance for Retinoblastoma. Last evaluated: 2025-04-24. Review status: criteria provided, single submitter. Criteria: Invitae Variant Classification Sherloc (09022015). Collection method: clinical testing. Allele origin: germline.
Comment: This sequence change replaces glutamine, which is neutral and polar, with arginine, which is basic and polar, at codon 631 of the RB1 protein (p.Gln631Arg). This variant is not present in population databases (gnomAD no frequency). This variant has not been reported in the literature in individuals affected with RB1-related conditions. ClinVar contains an entry for this variant (Variation ID: 820290). Invitae Evidence Modeling of protein sequence and biophysical properties (such as structural, functional, and spatial information, amino acid conservation, physicochemical variation, residue mobility, and thermodynamic stability) indicates that this missense variant is not expected to disrupt RB1 protein function with a negative predictive value of 80%. In summary, the available evidence is currently insufficient to determine the role of this variant in disease. Therefore, it has been classified as a Variant of Uncertain Significance.

Ambry Genetics
Classification: Uncertain significance for Hereditary cancer-predisposing syndrome. Last evaluated: 2024-11-10. Review status: criteria provided, single submitter. Criteria: Ambry Variant Classification Scheme 2023. Collection method: clinical testing. Allele origin: germline.
Comment: The p.Q631R variant (also known as c.1892A>G), located in coding exon 19 of the RB1 gene, results from an A to G substitution at nucleotide position 1892. The glutamine at codon 631 is replaced by arginine, an amino acid with highly similar properties. This amino acid position is highly conserved in available vertebrate species. In addition, the in silico prediction for this alteration is inconclusive. Since supporting evidence is limited at this time, the clinical significance of this alteration remains unclear.

Baylor Genetics
Classification: Uncertain significance for Malignant tumor of urinary bladder. Last evaluated: 2023-09-01. Review status: criteria provided, single submitter. Criteria: ACMG Guidelines, 2015. Collection method: clinical testing. Allele origin: unknown.